The following is an entry in ClinVar:

NM_001379029.1(CERT1):c.475G>A (p.Glu159Lys)

Gene: CERT1 (ceramide transporter 1; minus strand). Cytogenetic location: 5q13.3.
Variant type: single nucleotide variant.
Coding change: c.475G>A on transcript NM_001379029.1 (MANE Select); coding-DNA position 475, G replaced by A.
Protein change: p.Glu159Lys; replaces glutamic acid 159 with lysine.
Molecular consequence: missense variant.
Genome position (GRCh38, 1-based): chr5:75,425,481, C>T on the plus strand (G>A on the coding strand, the complement: CERT1 is on the minus strand). VCF-style: chr5-75425481-C-T. GRCh37 (hg19) VCF-style: chr5-74721306-C-T.
Other names: c.859G>A, p.Glu287Lys (NM_001130105.1); c.475G>A, p.Glu159Lys (NM_001379002.1, NM_001379003.1, NM_001379004.1 and 2 more transcripts); short protein forms E287K, E159K.
Identifiers: ClinVar variation 451094 (VCV000451094.2), dbSNP rs1554038957, ClinGen allele CA360136427.

ClinVar aggregate classification (germline): Likely pathogenic (1 of 4 stars; one submission).

Submission:

GeneDx
Classification: Likely pathogenic. Last evaluated: 2017-08-04. Review status: criteria provided, single submitter. Criteria: GeneDx Variant Classification (06012015). Collection method: clinical testing. Allele origin: germline. Affected: yes.
Comment: A variant that is likely pathogenic has been identified in the COL4A3BP gene. The c.859 G>A variant has not been published as a pathogenic variant, nor has it been reported as a benign variant to our knowledge. The c.859 G>A variant is not observed in large population cohorts (Lek et al., 2016; 1000 Genomes Consortium et al., 2015; Exome Variant Server). Several in-silico splice prediction models predict that c.859 G>A may create or increase the strength of a cryptic splice donor site which may supplant the natural donor site and lead to abnormal gene splicing; however, in the absence of RNA/functional studies, the actual effect of this sequence change on splicing is unknown. If c.859 G>A does not alter splicing, it will result in the E287K missense change, which is a non-conservative amino acid substitution that is likely to impact secondary protein structure as these residues differ in polarity, charge, size and/or other properties. This substitution occurs at a position that is conserved across species, and in silico analysis predicts this variant is probably damaging to the protein structure/function. Therefore, this variant is likely pathogenic; however, the possibility that it is benign cannot be excluded.